The following is an entry in ClinVar:

ClinVar aggregate classification (germline): Uncertain significance (1 of 4 stars; one submission).

Conditions:
Alstrom syndrome (ALMS). Identifiers: Orphanet 64, MedGen C0268425, MONDO:0008763, OMIM 203800.

Submission:

Labcorp Genetics (formerly Invitae), Labcorp
Classification: Uncertain significance for Alstrom syndrome. Last evaluated: 2022-01-13. Review status: criteria provided, single submitter. Criteria: Invitae Variant Classification Sherloc (09022015). Collection method: clinical testing. Allele origin: germline.
Comment: In summary, the available evidence is currently insufficient to determine the role of this variant in disease. Therefore, it has been classified as a Variant of Uncertain Significance. Experimental studies and prediction algorithms are not available or were not evaluated, and the functional significance of this variant is currently unknown. This variant has not been reported in the literature in individuals affected with ALMS1-related conditions. This variant is not present in population databases (gnomAD no frequency). This sequence change replaces arginine, which is basic and polar, with serine, which is neutral and polar, at codon 1669 of the ALMS1 protein (p.Arg1669Ser).

NM_001378454.1(ALMS1):c.5004G>T (p.Arg1668Ser)

Gene: ALMS1 (ALMS1 centrosome and basal body associated protein; plus strand). Cytogenetic location: 2p13.1.
Variant type: single nucleotide variant.
Coding change: c.5004G>T on transcript NM_001378454.1 (MANE Select); coding-DNA position 5004, G replaced by T.
Protein change: p.Arg1668Ser; replaces arginine 1668 with serine.
Molecular consequence: missense variant.
Genome position (GRCh38, 1-based): chr2:73,451,531, G>T. VCF-style: chr2-73451531-G-T. GRCh37 (hg19) VCF-style: chr2-73678658-G-T.
Other names: c.5007G>T, p.Arg1669Ser (NM_015120.4); short protein forms R1668S, R1669S.
Identifiers: ClinVar variation 1913905 (VCV001913905.5), dbSNP rs1432669722, ClinGen allele CA347279713.